The following is an entry in ClinVar:

NM_005901.6(SMAD2):c.289G>C (p.Asp97His)

Gene: SMAD2 (SMAD family member 2; minus strand). Cytogenetic location: 18q21.1.
Variant type: single nucleotide variant.
Coding change: c.289G>C on transcript NM_005901.6 (MANE Select); coding-DNA position 289, G replaced by C.
Protein change: p.Asp97His; replaces aspartic acid 97 with histidine.
Molecular consequence: missense variant. On other transcripts: intron variant (1).
Genome position (GRCh38, 1-based): chr18:47,870,512, C>G on the plus strand (G>C on the coding strand, the complement: SMAD2 is on the minus strand). VCF-style: chr18-47870512-C-G. GRCh37 (hg19) VCF-style: chr18-45396883-C-G.
Other names: c.289G>C, p.Asp97His (NM_001003652.4); c.237-1076G>C (NM_001135937.3); short protein forms D97H.
Identifiers: ClinVar variation 3225161 (VCV003225161.1), dbSNP rs2144384343, ClinGen allele CA402502348.

ClinVar aggregate classification (germline): Uncertain significance (1 of 4 stars; one submission).

Conditions:
Inborn genetic diseases. Identifiers: MedGen C0950123, MeSH D030342.

Submission:

Ambry Genetics
Classification: Uncertain significance for Inborn genetic diseases. Last evaluated: 2023-11-09. Review status: criteria provided, single submitter. Criteria: Ambry Variant Classification Scheme 2023. Collection method: clinical testing. Allele origin: germline.
Comment: The p.D97H variant (also known as c.289G>C), located in coding exon 2 of the SMAD2 gene, results from a G to C substitution at nucleotide position 289. The aspartic acid at codon 97 is replaced by histidine, an amino acid with similar properties. This amino acid position is conserved. In addition, this alteration is predicted to be deleterious by in silico analysis. Since supporting evidence is limited at this time, the clinical significance of this alteration remains unclear.